The following is an entry in ClinVar:

NM_031372.4(HNRNPDL):c.244C>T (p.Arg82Cys)

Gene: HNRNPDL (heterogeneous nuclear ribonucleoprotein D like; minus strand). Cytogenetic location: 4q21.22.
Variant type: single nucleotide variant.
Coding change: c.244C>T on transcript NM_031372.4 (MANE Select); coding-DNA position 244, C replaced by T.
Protein change: p.Arg82Cys; replaces arginine 82 with cysteine.
Molecular consequence: missense variant. On other transcripts: non-coding transcript variant (1).
Genome position (GRCh38, 1-based): chr4:82,429,447, G>A on the plus strand (C>T on the coding strand, the complement: HNRNPDL is on the minus strand). VCF-style: chr4-82429447-G-A. GRCh37 (hg19) VCF-style: chr4-83350600-G-A.
Other names: c.244C>T, p.Arg82Cys (NM_001207000.1); c.244C>T (NM_031372.3); short protein forms R82C.
Identifiers: ClinVar variation 2162287 (VCV002162287.7), dbSNP rs373320441, ClinGen allele CA2985114.

ClinVar aggregate classification (germline): Uncertain significance. Review status: criteria provided, multiple submitters, no conflicts (2 of 4 stars). 2 submissions from 2 submitters: Uncertain significance (2). Last evaluated 2024-04-10.

Conditions:
Autosomal dominant limb-girdle muscular dystrophy type 1G (LGMDD3). Also called: Limb-girdle muscular dystrophy, type 1G; MUSCULAR DYSTROPHY, LIMB-GIRDLE, AUTOSOMAL DOMINANT 3. Identifiers: Orphanet 55596, MedGen C1836765, MONDO:0012193, OMIM 609115.

Allele frequency attached by ClinVar (database versions not stated): TOPMed below 0.00001; gnomAD exomes 0.00001; ExAC 0.00002; gnomAD 0.00002; ESP Exome Variant Server 0.00008.
gnomAD v4.1: 21 of 1,608,042 alleles (0.0013%); highest among the groups gnomAD compares: East Asian, 0.011%; no homozygotes.

Submissions (2):

Labcorp Genetics (formerly Invitae), Labcorp
Classification: Uncertain significance for Autosomal dominant limb-girdle muscular dystrophy type 1G. Last evaluated: 2024-04-10. Review status: criteria provided, single submitter. Criteria: Invitae Variant Classification Sherloc (09022015). Collection method: clinical testing. Allele origin: germline.
Comment: This sequence change replaces arginine, which is basic and polar, with cysteine, which is neutral and slightly polar, at codon 82 of the HNRNPDL protein (p.Arg82Cys). This variant is present in population databases (rs373320441, gnomAD 0.02%). This variant has not been reported in the literature in individuals affected with HNRNPDL-related conditions. ClinVar contains an entry for this variant (Variation ID: 2162287). An algorithm developed to predict the effect of missense changes on protein structure and function (PolyPhen-2) suggests that this variant is likely to be disruptive. In summary, the available evidence is currently insufficient to determine the role of this variant in disease. Therefore, it has been classified as a Variant of Uncertain Significance.

Revvity Omics, Revvity
Classification: Uncertain significance for Autosomal dominant limb-girdle muscular dystrophy type 1G. Last evaluated: 2020-02-04. Review status: criteria provided, single submitter. Criteria: ACMG Guidelines, 2015. Collection method: clinical testing. Allele origin: germline.